The following is an entry in ClinVar:

ClinVar aggregate classification (germline): Uncertain significance (1 of 4 stars; one submission).

Conditions:
Charcot-Marie-Tooth disease type 2. Also called: Charcot-Marie-Tooth type 2. Identifiers: Orphanet 64746, MedGen C0270914, MONDO:0018993.

Allele frequency attached by ClinVar (database versions not stated): gnomAD exomes below 0.00001.
gnomAD v4.1: 2 of 1,614,212 alleles (0.00012%); highest among the groups gnomAD compares: South Asian, 0.0022%; no homozygotes.

Submission:

Labcorp Genetics (formerly Invitae), Labcorp
Classification: Uncertain significance for Charcot-Marie-Tooth disease type 2. Last evaluated: 2019-05-24. Review status: criteria provided, single submitter. Criteria: Invitae Variant Classification Sherloc (09022015). Collection method: clinical testing. Allele origin: germline.
Comment: This sequence change replaces aspartic acid with valine at codon 414 of the MFN2 protein (p.Asp414Val). The aspartic acid residue is highly conserved and there is a large physicochemical difference between aspartic acid and valine. This variant is not present in population databases (ExAC no frequency). This variant has not been reported in the literature in individuals with MFN2-related disease. Algorithms developed to predict the effect of missense changes on protein structure and function are either unavailable or do not agree on the potential impact of this missense change (SIFT: "Deleterious"; PolyPhen-2: "Benign"; Align-GVGD: "Class C0"). In summary, the available evidence is currently insufficient to determine the role of this variant in disease. Therefore, it has been classified as a Variant of Uncertain Significance.

NM_014874.4(MFN2):c.1241A>T (p.Asp414Val)

Gene: MFN2 (mitofusin 2; plus strand). Cytogenetic location: 1p36.22.
Variant type: single nucleotide variant.
Coding change: c.1241A>T on transcript NM_014874.4 (MANE Select); coding-DNA position 1241, A replaced by T.
Protein change: p.Asp414Val; replaces aspartic acid 414 with valine.
Molecular consequence: missense variant.
Genome position (GRCh38, 1-based): chr1:12,004,072, A>T. VCF-style: chr1-12004072-A-T. GRCh37 (hg19) VCF-style: chr1-12064129-A-T.
Other names: c.1241A>T, p.Asp414Val (NM_001127660.2); short protein forms D414V.
Identifiers: ClinVar variation 662544 (VCV000662544.2), dbSNP rs1569860081, ClinGen allele CA338445207.